The following is an entry in ClinVar:

ClinVar aggregate classification (germline): Uncertain significance (1 of 4 stars; one submission).

Conditions:
Peroxisome biogenesis disorder 3A (Zellweger). Also called: PEROXISOMAL BIOGENESIS DISORDER 3A (ZELLWEGER); Peroxisome biogenesis disorder 3A. Identifiers: Orphanet 912, MedGen C3553929, MONDO:0013927, OMIM 614859.

Allele frequency attached by ClinVar (database versions not stated): gnomAD exomes 0.00001; ExAC 0.00002.

Submission:

Labcorp Genetics (formerly Invitae), Labcorp
Classification: Uncertain significance for Peroxisome biogenesis disorder 3A (Zellweger). Last evaluated: 2021-06-17. Review status: criteria provided, single submitter. Criteria: Invitae Variant Classification Sherloc (09022015). Collection method: clinical testing. Allele origin: germline.
Comment: In summary, the available evidence is currently insufficient to determine the role of this variant in disease. Therefore, it has been classified as a Variant of Uncertain Significance. Algorithms developed to predict the effect of missense changes on protein structure and function (SIFT, PolyPhen-2, Align-GVGD) all suggest that this variant is likely to be tolerated, but these predictions have not been confirmed by published functional studies and their clinical significance is uncertain. This variant has not been reported in the literature in individuals with PEX12-related conditions. This variant is present in population databases (rs750097322, ExAC 0.02%). This sequence change replaces valine with leucine at codon 316 of the PEX12 protein (p.Val316Leu). The valine residue is moderately conserved and there is a small physicochemical difference between valine and leucine.

NM_000286.3(PEX12):c.946G>C (p.Val316Leu)

Gene: PEX12 (peroxisomal biogenesis factor 12; minus strand). Cytogenetic location: 17q12.
Variant type: single nucleotide variant.
Coding change: c.946G>C on transcript NM_000286.3 (MANE Select); coding-DNA position 946, G replaced by C.
Protein change: p.Val316Leu; replaces valine 316 with leucine.
Molecular consequence: missense variant.
Genome position (GRCh38, 1-based): chr17:35,575,916, C>G on the plus strand (G>C on the coding strand, the complement: PEX12 is on the minus strand). VCF-style: chr17-35575916-C-G. GRCh37 (hg19) VCF-style: chr17-33902935-C-G.
Other names: short protein forms V316L.
Identifiers: ClinVar variation 1346030 (VCV001346030.6), dbSNP rs750097322, ClinGen allele CA8504814.